The following is an entry in ClinVar:

NM_206933.4(USH2A):c.8098G>A (p.Val2700Ile)

Gene: USH2A (usherin; minus strand). Cytogenetic location: 1q41.
Variant type: single nucleotide variant.
Coding change: c.8098G>A on transcript NM_206933.4 (MANE Select); coding-DNA position 8098, G replaced by A.
Protein change: p.Val2700Ile; replaces valine 2700 with isoleucine.
Molecular consequence: missense variant.
Genome position (GRCh38, 1-based): chr1:215,888,551, C>T on the plus strand (G>A on the coding strand, the complement: USH2A is on the minus strand). VCF-style: chr1-215888551-C-T. GRCh37 (hg19) VCF-style: chr1-216061893-C-T.
Other names: short protein forms V2700I.
Identifiers: ClinVar variation 517281 (VCV000517281.10), dbSNP rs778655083, ClinGen allele CA1394685.

ClinVar aggregate classification (germline): Conflicting classifications of pathogenicity. Review status: criteria provided, conflicting classifications (1 of 4 stars). 5 submissions from 5 submitters: Uncertain significance (3); Likely benign (2). Last evaluated 2026-09-25.

Conditions:
Inborn genetic diseases. Identifiers: MedGen C0950123, MeSH D030342.
USH2A-related disorder. Also called: USH2A-related condition; USH2A-related disorders. Identifiers: MedGen CN239332.

Allele frequency attached by ClinVar (database versions not stated): ExAC 0.00001; gnomAD 0.00001; gnomAD exomes 0.00001 and 0.00004; TOPMed 0.00002.
gnomAD v4.1: 59 of 1,614,000 alleles (0.0037%); highest among the groups gnomAD compares: Non-Finnish European, 0.0049%; no homozygotes.

Submissions (5):

PreventionGenetics, part of Exact Sciences
Classification: Uncertain significance for USH2A-related condition. Last evaluated: 2026-09-25. Review status: criteria provided, single submitter. Criteria: ACMG Guidelines, 2015. Collection method: clinical testing. Allele origin: germline.
Comment: The USH2A c.8098G>A variant is predicted to result in the amino acid substitution p.Val2700Ile. To our knowledge, this variant has not been reported in the literature. This variant is reported in 0.0018% of alleles in individuals of European (Non-Finnish) descent in gnomAD. Another variant affecting the same amino acid position, c.8099T>A, p.(Val2700Glu), has been reported along with a causative USH2A variant in an individual with Usher syndrome (Supplementary Table 2, Bonnet et al. 2016. PubMed ID: 27460420). At this time, the clinical significance of this p.Val2700Ile variant is uncertain due to the absence of conclusive functional and genetic evidence.

Ambry Genetics
Classification: Likely benign for Inborn genetic diseases. Last evaluated: 2025-04-04. Review status: criteria provided, single submitter. Criteria: Ambry Variant Classification Scheme 2023. Collection method: clinical testing. Allele origin: germline.

Blueprint Genetics
Classification: Uncertain significance. Last evaluated: 2022-08-16. Review status: criteria provided, single submitter. Criteria: ACMG Guidelines, 2015. Collection method: clinical testing. Allele origin: germline.

Labcorp Genetics (formerly Invitae), Labcorp
Classification: Uncertain significance. Last evaluated: 2022-02-24. Review status: criteria provided, single submitter. Criteria: Invitae Variant Classification Sherloc (09022015). Collection method: clinical testing. Allele origin: germline.
Comment: This sequence change replaces valine, which is neutral and non-polar, with isoleucine, which is neutral and non-polar, at codon 2700 of the USH2A protein (p.Val2700Ile). This variant is present in population databases (rs778655083, gnomAD 0.002%). This variant has not been reported in the literature in individuals affected with USH2A-related conditions. ClinVar contains an entry for this variant (Variation ID: 517281). Algorithms developed to predict the effect of missense changes on protein structure and function output the following: SIFT: "Tolerated"; PolyPhen-2: "Benign"; Align-GVGD: "Class C0". The isoleucine amino acid residue is found in multiple mammalian species, which suggests that this missense change does not adversely affect protein function. In summary, the available evidence is currently insufficient to determine the role of this variant in disease. Therefore, it has been classified as a Variant of Uncertain Significance.

Laboratory for Molecular Medicine, Mass General Brigham Personalized Medicine
Classification: Likely benign. Last evaluated: 2017-03-07. Review status: criteria provided, single submitter. Criteria: LMM Criteria. Collection method: clinical testing. Allele origin: germline. Observed: 1 variant allele.
Comment: p.Val2700Ile in exon 41 of USH2A: This variant is not expected to have clinical significance due to a lack of conservation across species, including mammals. O f note, >10 mammals have an isoleucine (Ile) at this position despite high nearb y amino acid conservation. It has been identified in 1/66682 European chromosome s by the Exome Aggregation Consortium (ExAC; dbS NP rs778655083).